The following is an entry in ClinVar:

ClinVar aggregate classification (germline): Conflicting classifications of pathogenicity. Review status: criteria provided, conflicting classifications (1 of 4 stars). 8 submissions from 8 submitters: Uncertain significance (1); Likely benign (7). Last evaluated 2026-04-10.

Conditions:
DSP-related disorder. Also called: DSP-related condition; DSP-related disorders.
Cardiovascular phenotype. Identifiers: MedGen CN230736.
Cardiomyopathy (CMYO). Also called: Cardiomyopathies. Identifiers: Orphanet 167848, MedGen C0878544, MONDO:0004994, HP:0001638. Inheritance: Various modes of inheritance.
Arrhythmogenic right ventricular dysplasia 8 (ARVD8). Also called: Arrhythmogenic Right Ventricular Dysplasia/Cardiomyopathy 8; ARRHYTHMOGENIC RIGHT VENTRICULAR DYSPLASIA, FAMILIAL, 8; ARRHYTHMOGENIC RIGHT VENTRICULAR CARDIOMYOPATHY 8. Identifiers: MedGen C1843896, MONDO:0011831, OMIM 607450.
Arrhythmogenic cardiomyopathy with wooly hair and keratoderma. Also called: Carvajal syndrome; Dilated cardiomyopathy with woolly hair and keratoderma; PALMOPLANTAR KERATODERMA WITH LEFT VENTRICULAR CARDIOMYOPATHY AND WOOLLY HAIR; Arrhythmogenic cardiomyopathy with woolly hair and keratoderma. Identifiers: Orphanet 65282, MedGen C1854063, MONDO:0011581, OMIM 605676.

Allele frequency attached by ClinVar (database versions not stated): ESP Exome Variant Server 0.00048; gnomAD 0.00023 and 0.00021; TOPMed 0.00028; gnomAD exomes 0.00002 and 0.00005; ExAC 0.00010.

Submissions (8):

PreventionGenetics, part of Exact Sciences
Classification: Likely benign for DSP-related condition. Last evaluated: 2026-04-10. Review status: criteria provided, single submitter. Criteria: ACMG Guidelines, 2015. Collection method: clinical testing. Allele origin: germline.
Comment: This variant is classified as likely benign based on ACMG/AMP sequence variant interpretation guidelines (Richards et al. 2015 PMID: 25741868, with internal and published modifications).

Labcorp Genetics (formerly Invitae), Labcorp
Classification: Likely benign for Arrhythmogenic cardiomyopathy with wooly hair and keratoderma; Arrhythmogenic right ventricular dysplasia 8. Last evaluated: 2026-01-11. Review status: criteria provided, single submitter. Criteria: Invitae Variant Classification Sherloc (09022015). Collection method: clinical testing. Allele origin: germline.

Women's Health and Genetics/Laboratory Corporation of America, LabCorp
Classification: Likely benign. Last evaluated: 2025-04-23. Review status: criteria provided, single submitter. Criteria: LabCorp Variant Classification Summary - May 2015. Collection method: clinical testing. Allele origin: germline.
Comment: Variant summary: DSP c.2794-4dupA alters a non-conserved nucleotide located at a position not widely known to affect splicing. Consensus agreement among computation tools predict no significant impact on normal splicing. However, these predictions have yet to be confirmed by functional studies. The variant allele was found at a frequency of 5.2e-05 in 250666 control chromosomes (gnomAD). This frequency is not significantly higher than estimated for a pathogenic variant in DSP causing Arrhythmogenic Right Ventricular Dysplasia/Cardiomyopathy (5.2e-05 vs 0.0002), allowing no conclusion about variant significance. To our knowledge, no occurrence of c.2794-4dupA in individuals affected with Arrhythmogenic Right Ventricular Dysplasia/Cardiomyopathy and no experimental evidence demonstrating its impact on protein function have been reported. ClinVar contains an entry for this variant (Variation ID: 44882). Based on the evidence outlined above, the variant was classified as likely benign.

Molecular Diagnostic Laboratory for Inherited Cardiovascular Disease, Montreal Heart Institute
Classification: Likely benign. Last evaluated: 2025-02-17. Review status: criteria provided, single submitter. Criteria: ACMG Guidelines, 2015. Collection method: clinical testing. Allele origin: germline. Affected: no.

GeneDx
Classification: Likely benign. Last evaluated: 2024-02-23. Review status: criteria provided, single submitter. Criteria: GeneDx Variant Classification Process June 2021. Collection method: clinical testing. Allele origin: germline. Affected: yes.
Comment: See Variant Classification Assertion Criteria.

Ambry Genetics
Classification: Likely benign for Cardiovascular phenotype. Last evaluated: 2023-06-29. Review status: criteria provided, single submitter. Criteria: Ambry Variant Classification Scheme 2023. Collection method: clinical testing. Allele origin: germline.

Color Diagnostics, LLC DBA Color Health
Classification: Likely benign for Cardiomyopathy. Last evaluated: 2019-04-15. Review status: criteria provided, single submitter. Criteria: ACMG Guidelines, 2015. Collection method: clinical testing. Allele origin: germline.

Laboratory for Molecular Medicine, Mass General Brigham Personalized Medicine
Classification: Uncertain significance. Last evaluated: 2015-01-28. Review status: criteria provided, single submitter. Criteria: LMM Criteria. Collection method: clinical testing. Allele origin: germline. Observed: 3 variant alleles.
Comment: Variant classified as Uncertain Significance - Favor Benign. It h as also been identified in 0.1% (12/10132) of African chromosomes by the Exome A ggregation Consortium (ExAC; dbSNP rs397516924). This variant is located in the 3' splice region. Computational tools do not sug gest an impact to splicing. However, this information is not predictive enough t o rule out pathogenicity. In summary, while the clinical significance of the c.2 794-4_2794-3insA variant is uncertain, its frequency suggests that it is more li kely to be benign.

NM_004415.4(DSP):c.2794-4dup

Gene: DSP (desmoplakin; plus strand). Cytogenetic location: 6p24.3.
Variant type: Duplication.
Coding change: c.2794-4dup on transcript NM_004415.4 (MANE Select); 4 bases into the intron before coding-DNA position 2794, one base duplicated (A; older notation c.2794-4dupA).
Genome position (GRCh38, 1-based): chr6:7,576,955, A duplicated. VCF-style (leftmost placement, unchanged base first): chr6-7576954-T-TA. GRCh37 (hg19) VCF-style: chr6-7577187-T-TA.
Other names: NM_004415.2:c.2794-4dupA; c.2794-4dup (NM_001319034.2, NM_001008844.3, NM_004415.2 and 1 more transcripts); c.2794-4dupA (NM_004415.4).
Identifiers: ClinVar variation 44882 (VCV000044882.27), dbSNP rs397516924, ClinGen allele CA005601.